The following is an entry in ClinVar:

ClinVar aggregate classification (germline): Uncertain significance (1 of 4 stars; one submission).

Submission:

Women's Health and Genetics/Laboratory Corporation of America, LabCorp
Classification: Uncertain significance. Last evaluated: 2021-11-15. Review status: criteria provided, single submitter. Criteria: LabCorp Variant Classification Summary - May 2015. Collection method: clinical testing. Allele origin: germline.
Comment: Variant summary: The variant identified by MLPA or other technology involves the duplication of exons 4-10 in the NGLY1 gene. A presumed nomenclature of c.(492+1_493-1)_(1611+1_1612-1)dup has been designated for the purposes of this classification. It has been assumed that this is a tandem duplication in direct orientation (Richardson_GIM_2018, Newman_AJHG_2015). Although exact breakpoints of this duplication are not known, it is expected to result in a large in-frame duplication change in the NGLY1 gene. The variant was absent in 21694 control chromosomes. The available data on variant occurrences in the general population are insufficient to allow any conclusion about variant significance. To our knowledge, no occurrence of c.(492+1_493-1)_(1611+1_1612-1)dup in individuals affected with Congenital Disorder Of Deglycosylation and no experimental evidence demonstrating its impact on protein function have been reported. No clinical diagnostic laboratories have submitted clinical-significance assessments for this variant to ClinVar after 2014. Based on the evidence outlined above, the variant was classified as uncertain significance.

NC_000003.11:g.(25761683_25770623)_(25792755_25805556)dup

Gene: NGLY1 (N-glycanase 1; minus strand). Cytogenetic location: 3p24.2.
Variant type: Duplication.
Identifiers: ClinVar variation 1329044 (VCV001329044.1).